The following is an entry in ClinVar:

ClinVar aggregate classification (germline): Uncertain significance. Review status: criteria provided, multiple submitters, no conflicts (2 of 4 stars). 2 submissions from 2 submitters: Uncertain significance (2). Last evaluated 2025-03-26.

Conditions:
Inborn genetic diseases. Identifiers: MedGen C0950123, MeSH D030342.

Allele frequency attached by ClinVar (database versions not stated): gnomAD 0.00001; ExAC 0.00001; TOPMed 0.00002; gnomAD exomes 0.00002.
gnomAD v4.1: 24 of 1,613,866 alleles (0.0015%); highest among the groups gnomAD compares: African/African-American, 0.0027%; no homozygotes.

Submissions (2):

Ambry Genetics
Classification: Uncertain significance for Inborn genetic diseases. Last evaluated: 2025-03-26. Review status: criteria provided, single submitter. Criteria: Ambry Variant Classification Scheme 2023. Collection method: clinical testing. Allele origin: germline.

Labcorp Genetics (formerly Invitae), Labcorp
Classification: Uncertain significance. Last evaluated: 2022-07-15. Review status: criteria provided, single submitter. Criteria: Invitae Variant Classification Sherloc (09022015). Collection method: clinical testing. Allele origin: germline.
Comment: This sequence change replaces glutamic acid, which is acidic and polar, with lysine, which is basic and polar, at codon 273 of the TBXAS1 protein (p.Glu273Lys). This variant is present in population databases (rs762726298, gnomAD 0.007%). This variant has not been reported in the literature in individuals affected with TBXAS1-related conditions. Advanced modeling of protein sequence and biophysical properties (such as structural, functional, and spatial information, amino acid conservation, physicochemical variation, residue mobility, and thermodynamic stability) performed at Invitae indicates that this missense variant is not expected to disrupt TBXAS1 protein function. In summary, the available evidence is currently insufficient to determine the role of this variant in disease. Therefore, it has been classified as a Variant of Uncertain Significance.

NM_001061.7(TBXAS1):c.814G>A (p.Glu272Lys)

Gene: TBXAS1 (thromboxane A synthase 1; plus strand). Cytogenetic location: 7q34.
Variant type: single nucleotide variant.
Coding change: c.814G>A on transcript NM_001061.7 (MANE Select); coding-DNA position 814, G replaced by A.
Protein change: p.Glu272Lys; replaces glutamic acid 272 with lysine.
Molecular consequence: missense variant.
Genome position (GRCh38, 1-based): chr7:139,957,759, G>A. VCF-style: chr7-139957759-G-A. GRCh37 (hg19) VCF-style: chr7-139657558-G-A.
Other names: c.814G>A, p.Glu272Lys (NM_001130966.5, NM_030984.6); c.952G>A, p.Glu318Lys (NM_001166253.4); c.613G>A, p.Glu205Lys (NM_001166254.4); c.757G>A, p.Glu253Lys (NM_001314028.4); c.631G>A, p.Glu211Lys (NM_001366537.3); c.817G>A (NM_001061.4); short protein forms E205K, E253K, E318K, E211K, E272K, E273K, E319K.
Identifiers: ClinVar variation 2171891 (VCV002171891.2), dbSNP rs762726298, ClinGen allele CA4511805.